The following is an entry in ClinVar:

NM_004415.4(DSP):c.8230A>G (p.Arg2744Gly)

Gene: DSP (desmoplakin; plus strand). Cytogenetic location: 6p24.3.
Variant type: single nucleotide variant.
Coding change: c.8230A>G on transcript NM_004415.4 (MANE Select); coding-DNA position 8230, A replaced by G.
Protein change: p.Arg2744Gly; replaces arginine 2744 with glycine.
Molecular consequence: missense variant.
Genome position (GRCh38, 1-based): chr6:7,585,492, A>G. VCF-style: chr6-7585492-A-G. GRCh37 (hg19) VCF-style: chr6-7585725-A-G.
Other names: c.6433A>G, p.Arg2145Gly (NM_001008844.3); c.6901A>G, p.Arg2301Gly (NM_001319034.2); c.8230A>G (NM_004415.3); short protein forms R2145G, R2301G, R2744G.
Identifiers: ClinVar variation 920495 (VCV000920495.20), dbSNP rs1198357388, ClinGen allele CA362694716.

ClinVar aggregate classification (germline): Uncertain significance. Review status: criteria provided, multiple submitters, no conflicts (2 of 4 stars). 9 submissions from 9 submitters: Uncertain significance (6). 3 of the submissions do not count toward it. Last evaluated 2025-07-16.

Conditions:
Cardiovascular phenotype. Identifiers: MedGen CN230736.
Arrhythmogenic cardiomyopathy with wooly hair and keratoderma. Also called: PALMOPLANTAR KERATODERMA WITH LEFT VENTRICULAR CARDIOMYOPATHY AND WOOLLY HAIR; Carvajal syndrome; Dilated cardiomyopathy with woolly hair and keratoderma; Arrhythmogenic cardiomyopathy with woolly hair and keratoderma. Identifiers: Orphanet 65282, MedGen C1854063, MONDO:0011581, OMIM 605676.
Arrhythmogenic right ventricular dysplasia 8 (ARVD8). Also called: Arrhythmogenic Right Ventricular Dysplasia/Cardiomyopathy 8; ARRHYTHMOGENIC RIGHT VENTRICULAR DYSPLASIA, FAMILIAL, 8; ARRHYTHMOGENIC RIGHT VENTRICULAR CARDIOMYOPATHY 8. Identifiers: MedGen C1843896, MONDO:0011831, OMIM 607450.
Cardiomyopathy (CMYO). Also called: Cardiomyopathies. Identifiers: Orphanet 167848, MedGen C0878544, MONDO:0004994, HP:0001638. Inheritance: Various modes of inheritance.

Allele frequency attached by ClinVar (database versions not stated): gnomAD exomes below 0.00001; TOPMed below 0.00001.
gnomAD v4.1: 6 of 1,614,208 alleles (0.00037%); highest among the groups gnomAD compares: Non-Finnish European, 0.00051%; no homozygotes.

Submissions (9):

GeneDx
Classification: Uncertain significance. Last evaluated: 2025-07-16. Review status: criteria provided, single submitter. Criteria: GeneDx Variant Classification Process June 2021. Collection method: clinical testing. Allele origin: germline. Affected: yes.
Comment: In silico analysis supports that this missense variant has a deleterious effect on protein structure/function; Not observed at significant frequency in large population cohorts (gnomAD); Has not been previously published as pathogenic or benign to our knowledge

Molecular Diagnostic Laboratory for Inherited Cardiovascular Disease, Montreal Heart Institute
Classification: Uncertain significance for Cardiovascular phenotype. Last evaluated: 2025-02-17. Review status: criteria provided, single submitter. Criteria: ACMG Guidelines, 2015. Collection method: clinical testing. Allele origin: germline. Affected: yes.

Color Diagnostics, LLC DBA Color Health
Classification: Uncertain significance for Cardiomyopathy. Last evaluated: 2024-03-19. Review status: criteria provided, single submitter. Criteria: ACMG Guidelines, 2015. Collection method: clinical testing. Allele origin: germline.
Comment: This missense variant replaces arginine with glycine at codon 2744 of the DSP protein. Computational prediction suggests that this variant may have deleterious impact on protein structure and function. To our knowledge, functional studies have not been reported for this variant. This variant has not been reported in individuals affected with DSP-related disorders in the literature. This variant has not been identified in the general population by the Genome Aggregation Database (gnomAD). The available evidence is insufficient to determine the role of this variant in disease conclusively. Therefore, this variant is classified as a Variant of Uncertain Significance.

Ambry Genetics
Classification: Uncertain significance for Cardiovascular phenotype. Last evaluated: 2023-07-15. Review status: criteria provided, single submitter. Criteria: Ambry Variant Classification Scheme 2023. Collection method: clinical testing. Allele origin: germline.
Comment: The p.R2744G variant (also known as c.8230A>G), located in coding exon 24 of the DSP gene, results from an A to G substitution at nucleotide position 8230. The arginine at codon 2744 is replaced by glycine, an amino acid with dissimilar properties. This amino acid position is conserved. In addition, this alteration is predicted to be deleterious by in silico analysis. Since supporting evidence is limited at this time, the clinical significance of this alteration remains unclear.

All of Us Research Program, National Institutes of Health
Classification: Uncertain significance for Arrhythmogenic cardiomyopathy with wooly hair and keratoderma. Last evaluated: 2023-04-27. Review status: criteria provided, single submitter. Criteria: ACMG Guidelines, 2015. Collection method: clinical testing. Allele origin: germline. Inheritance: Autosomal dominant inheritance. Observed: 1 variant allele, 1 heterozygote.
Comment: This study involves interpretation of variants in research participants for the purpose of population health screening. Participant phenotype was not available at the time of variant classification. Additional details can be found in publication PMID: 35346344, PMCID: PMC8962531

Labcorp Genetics (formerly Invitae), Labcorp
Classification: Uncertain significance for Arrhythmogenic cardiomyopathy with wooly hair and keratoderma; Arrhythmogenic right ventricular dysplasia 8. Last evaluated: 2021-08-27. Review status: criteria provided, single submitter. Criteria: Invitae Variant Classification Sherloc (09022015). Collection method: clinical testing. Allele origin: germline.
Comment: This sequence change replaces arginine with glycine at codon 2744 of the DSP protein (p.Arg2744Gly). The arginine residue is highly conserved and there is a moderate physicochemical difference between arginine and glycine. This variant is not present in population databases (ExAC no frequency). This variant has not been reported in the literature in individuals affected with DSP-related conditions. ClinVar contains an entry for this variant (Variation ID: 920495). Algorithms developed to predict the effect of missense changes on protein structure and function (SIFT, PolyPhen-2, Align-GVGD) all suggest that this variant is likely to be disruptive. In summary, the available evidence is currently insufficient to determine the role of this variant in disease. Therefore, it has been classified as a Variant of Uncertain Significance.

Clinical Genetics DNA and cytogenetics Diagnostics Lab, Erasmus MC, Erasmus Medical Center
Classification: Uncertain significance. Review status: no assertion criteria provided. Collection method: clinical testing. Allele origin: germline. Affected: yes. Study: VKGL Data-share Consensus. Not counted in ClinVar's aggregate classification.

Diagnostic Laboratory, Department of Genetics, University Medical Center Groningen
Classification: Uncertain significance. Review status: no assertion criteria provided. Collection method: clinical testing. Allele origin: germline. Affected: yes. Study: VKGL Data-share Consensus. Not counted in ClinVar's aggregate classification.

Genome Diagnostics Laboratory, University Medical Center Utrecht
Classification: Uncertain significance. Review status: no assertion criteria provided. Collection method: clinical testing. Allele origin: germline. Affected: yes. Study: VKGL Data-share Consensus. Not counted in ClinVar's aggregate classification.